The following is an entry in ClinVar:

NM_020975.6(RET):c.1908_1914delinsA (p.Val637_Ile638del)

Gene: RET (ret proto-oncogene; plus strand). Cytogenetic location: 10q11.21.
Variant type: Indel.
Coding change: c.1908_1914delinsA on transcript NM_020975.6 (MANE Select); coding-DNA positions 1908 to 1914, GGTGATC replaced by A.
Protein change: p.Val637_Ile638del.
Molecular consequence: intron variant (on NM_001406765.1).
Genome position (GRCh38, 1-based): chr10:43,114,508-43,114,514, GGTGATC replaced by A. VCF-style: chr10-43114508-GGTGATC-A. GRCh37 (hg19) VCF-style: chr10-43609956-GGTGATC-A.
Other names: c.1146_1152delinsA, p.Val383_Ile384del (NM_001355216.2); c.1908_1914delinsA, p.Val637_Ile638del (NM_001406743.1, NM_001406744.1, NM_001406759.1 and 2 more transcripts); c.1779_1785delinsA, p.Val594_Ile595del (NM_001406761.1, NM_001406762.1, NM_001406764.1); c.1620_1626delinsA, p.Val541_Ile542del (NM_001406766.1, NM_001406767.1, NM_001406770.1); c.1512_1518delinsA, p.Val505_Ile506del (NM_001406769.1, NM_001406772.1); c.1470_1476delinsA, p.Val491_Ile492del (NM_001406771.1, NM_001406773.1); c.1383_1389delinsA, p.Val462_Ile463del (NM_001406774.1); c.1182_1188delinsA, p.Val395_Ile396del (NM_001406775.1, NM_001406776.1, NM_001406777.1 and 1 more transcripts); and 10 more.
Identifiers: ClinVar variation 3944719 (VCV003944719.1).

ClinVar aggregate classification (germline): Uncertain significance (1 of 4 stars; one submission).

Conditions:
Hereditary cancer-predisposing syndrome. Also called: Tumor predisposition; Hereditary neoplastic syndrome; Hereditary Cancer Syndrome; Neoplastic Syndromes, Hereditary. Identifiers: Orphanet 140162, MedGen C0027672, MeSH D009386, MONDO:0015356.

Submission:

Ambry Genetics
Classification: Uncertain significance for Hereditary cancer-predisposing syndrome. Last evaluated: 2025-06-05. Review status: criteria provided, single submitter. Criteria: Ambry Variant Classification Scheme 2023. Collection method: clinical testing. Allele origin: germline.
Comment: The c.1908_1914delGGTGATCinsA variant (also known as p.V637_I638del), located in coding exon 11 of the RET gene, results from an in-frame deletion of GGTGATC and insertion of A at nucleotide positions 1908 to 1914. This results in the deletion of two amino acid residues at codons 637 and 638. This amino acid region is well conserved in available vertebrate species. In addition, this variant is predicted to be deleterious by in silico analysis (Choi Y et al. PLoS ONE. 2012; 7(10):e46688). Based on the available evidence, the clinical significance of this variant remains unclear.